The following is an entry in ClinVar:

NM_152564.5(VPS13B):c.11094_11097dup (p.Arg3700fs)

Gene: VPS13B (vacuolar protein sorting 13 homolog B; plus strand). Cytogenetic location: 8q22.2.
Variant type: Duplication.
Coding change: c.11094_11097dup on transcript NM_152564.5 (MANE Select); coding-DNA positions 11094 to 11097, 4 bases duplicated (GGAC; older notation c.11094_11097dupGGAC).
Protein change: p.Arg3700fs; shifts the reading frame from arginine 3700.
Molecular consequence: frameshift variant.
Genome position (GRCh38, 1-based): chr8:99,861,825-99,861,828, GGAC duplicated. VCF-style (leftmost placement, unchanged base first): chr8-99861824-T-TGGAC. GRCh37 (hg19) VCF-style: chr8-100874052-T-TGGAC.
Other names: c.11169_11172dupGGAC (NM_017890.4); c.11169_11172dup, p.Arg3725fs (NM_017890.5); short protein forms R3725fs, R3700fs.
Identifiers: ClinVar variation 56633 (VCV000056633.4), dbSNP rs386834059, ClinGen allele CA264002.

ClinVar aggregate classification (germline): Likely pathogenic. Review status: no assertion criteria provided (0 of 4 stars). 2 submissions from 2 submitters: Likely pathogenic (2). Last evaluated 2016-10-04.

Conditions:
Cohen syndrome (COH1). Also called: PEPPER SYNDROME; Cutis verticis gyrata, retinitis pigmentosa, and sensorineural deafness. Identifiers: Orphanet 193, MedGen C0265223, MONDO:0008999, OMIM 216550.

Allele frequency attached by ClinVar (database versions not stated): gnomAD 0.00001.

Submissions (2):

Counsyl
Classification: Likely pathogenic for Cohen syndrome. Last evaluated: 2016-10-04. Review status: no assertion criteria provided. Collection method: clinical testing. Allele origin: unknown.

Juha Muilu Group; Institute for Molecular Medicine Finland (FIMM)
Classification: Likely pathogenic for Cohen syndrome. Review status: no assertion criteria provided. Collection method: not provided. Allele origin: unknown.
Comment: FinDis database variant: This variant was not found or characterized by our laboratory, data were collected from public sources: see reference
ClinVar note: Converted during submission from probable-pathogenic to Likely pathogenic.

Literature cited by the submitters: PubMed 15141358 (cited by Counsyl).